The following is an entry in ClinVar:

NM_001035.3(RYR2):c.9539T>A (p.Ile3180Asn)

Gene: RYR2 (ryanodine receptor 2; plus strand). Cytogenetic location: 1q43.
Variant type: single nucleotide variant.
Coding change: c.9539T>A on transcript NM_001035.3 (MANE Select); coding-DNA position 9539, T replaced by A.
Protein change: p.Ile3180Asn; replaces isoleucine 3180 with asparagine.
Molecular consequence: missense variant.
Genome position (GRCh38, 1-based): chr1:237,705,302, T>A. VCF-style: chr1-237705302-T-A. GRCh37 (hg19) VCF-style: chr1-237868602-T-A.
Other names: short protein forms I3180N.
Identifiers: ClinVar variation 3069929 (VCV003069929.1), dbSNP rs1467963594, ClinGen allele CA345407800.

ClinVar aggregate classification (germline): Uncertain significance (1 of 4 stars; one submission).

Conditions:
Catecholaminergic polymorphic ventricular tachycardia (CVPT). Also called: Catecholamine-induced polymorphic ventricular tachycardia. Identifiers: Orphanet 3286, MedGen C5574922, MONDO:0017990.

Allele frequency attached by ClinVar (database versions not stated): gnomAD 0.00001.
gnomAD v4.1: 1 of 1,604,530 alleles (0.000062%); highest among the groups gnomAD compares: East Asian, 0.0022%; no homozygotes.

Submission:

All of Us Research Program, National Institutes of Health
Classification: Uncertain significance for Catecholaminergic polymorphic ventricular tachycardia. Last evaluated: 2023-03-23. Review status: criteria provided, single submitter. Criteria: ACMG Guidelines, 2015. Collection method: clinical testing. Allele origin: germline. Inheritance: Autosomal dominant inheritance. Observed: 1 variant allele, 1 heterozygote.
Comment: This missense variant replaces isoleucine with asparagine at codon 3180 of the RYR2 protein. Computational prediction suggests that this variant may not impact protein structure and function (internally defined REVEL score threshold <= 0.5, PMID: 27666373). To our knowledge, functional studies have not been reported for this variant. This variant has not been reported in individuals affected with RYR2-related disorders in the literature. This variant has not been identified in the general population by the Genome Aggregation Database (gnomAD). The available evidence is insufficient to determine the role of this variant in disease conclusively. Therefore, this variant is classified as a Variant of Uncertain Significance.

This study involves interpretation of variants in research participants for the purpose of population health screening. Participant phenotype was not available at the time of variant classification. Additional details can be found in publication PMID: 35346344, PMCID: PMC8962531